The following is an entry in ClinVar:

ClinVar aggregate classification (germline): Uncertain significance. Review status: criteria provided, multiple submitters, no conflicts (2 of 4 stars). 4 submissions from 4 submitters: Uncertain significance (3). 1 of the submissions does not count toward it. Last evaluated 2024-02-29.

Conditions:
Autosomal recessive polycystic kidney disease (ARPKD). Also called: AR polycystic kidney disease. Identifiers: Orphanet 731, Orphanet 8378, MedGen C0085548, MeSH D017044, MONDO:0009889.

Allele frequency attached by ClinVar (database versions not stated): gnomAD 0.00001 and 0.00002; gnomAD exomes 0.00002; TOPMed 0.00002.
gnomAD v4.1: 37 of 1,613,624 alleles (0.0023%); highest among the groups gnomAD compares: Admixed American, 0.0083%; no homozygotes.

Submissions (4):

GeneDx
Classification: Uncertain significance. Last evaluated: 2024-02-29. Review status: criteria provided, single submitter. Criteria: GeneDx Variant Classification Process June 2021. Collection method: clinical testing. Allele origin: germline. Affected: yes.
Comment: Not observed at significant frequency in large population cohorts (gnomAD); In silico analysis supports that this missense variant has a deleterious effect on protein structure/function; Has not been previously published as pathogenic or benign to our knowledge

Centre of Medical Genetics, University Hospital Muenster
Classification: Uncertain significance. Last evaluated: 2022-09-23. Review status: criteria provided, single submitter. Criteria: ACMG Guidelines, 2015. Collection method: clinical testing. Allele origin: unknown. Affected: yes. Observed: 1 variant allele, 1 heterozygote.
Comment: ACMG categories: PM2,PP3

Labcorp Genetics (formerly Invitae), Labcorp
Classification: Uncertain significance for Autosomal recessive polycystic kidney disease. Last evaluated: 2021-08-28. Review status: criteria provided, single submitter. Criteria: Invitae Variant Classification Sherloc (09022015). Collection method: clinical testing. Allele origin: germline.
Comment: This sequence change replaces arginine with cysteine at codon 3620 of the PKHD1 protein (p.Arg3620Cys). The arginine residue is moderately conserved and there is a large physicochemical difference between arginine and cysteine. This variant is not present in population databases (ExAC no frequency). This variant has not been reported in the literature in individuals affected with PKHD1-related conditions. Algorithms developed to predict the effect of missense changes on protein structure and function are either unavailable or do not agree on the potential impact of this missense change (SIFT: "Tolerated"; PolyPhen-2: "Possibly Damaging"; Align-GVGD: "Class C0"). In summary, the available evidence is currently insufficient to determine the role of this variant in disease. Therefore, it has been classified as a Variant of Uncertain Significance.

Natera, Inc.
Classification: Uncertain significance for Autosomal recessive polycystic kidney disease. Last evaluated: 2020-09-16. Review status: no assertion criteria provided. Collection method: clinical testing. Allele origin: germline. Not counted in ClinVar's aggregate classification.

NM_138694.4(PKHD1):c.10858C>T (p.Arg3620Cys)

Gene: PKHD1 (PKHD1 ciliary IPT domain containing fibrocystin/polyductin; minus strand). Cytogenetic location: 6p12.3.
Variant type: single nucleotide variant.
Coding change: c.10858C>T on transcript NM_138694.4 (MANE Select); coding-DNA position 10858, C replaced by T.
Protein change: p.Arg3620Cys; replaces arginine 3620 with cysteine.
Molecular consequence: missense variant.
Genome position (GRCh38, 1-based): chr6:51,659,268, G>A on the plus strand (C>T on the coding strand, the complement: PKHD1 is on the minus strand). VCF-style: chr6-51659268-G-A. GRCh37 (hg19) VCF-style: chr6-51524066-G-A.
Other names: short protein forms R3620C.
Identifiers: ClinVar variation 576738 (VCV000576738.7), dbSNP rs557405366, ClinGen allele CA138897075.